The following is an entry in ClinVar:

NM_002296.4(LBR):c.1039C>T (p.Arg347Cys)

Gene: LBR (lamin B receptor; minus strand). Cytogenetic location: 1q42.12.
Variant type: single nucleotide variant.
Coding change: c.1039C>T on transcript NM_002296.4 (MANE Select); coding-DNA position 1039, C replaced by T.
Protein change: p.Arg347Cys; replaces arginine 347 with cysteine.
Molecular consequence: missense variant.
Genome position (GRCh38, 1-based): chr1:225,412,499, G>A on the plus strand (C>T on the coding strand, the complement: LBR is on the minus strand). VCF-style: chr1-225412499-G-A. GRCh37 (hg19) VCF-style: chr1-225600201-G-A.
Other names: c.1039C>T, p.Arg347Cys (NM_194442.3); short protein forms R347C.
Identifiers: ClinVar variation 2296648 (VCV002296648.6), dbSNP rs141837466, ClinGen allele CA1417263.

ClinVar aggregate classification (germline): Uncertain significance. Review status: criteria provided, multiple submitters, no conflicts (2 of 4 stars). 2 submissions from 2 submitters: Uncertain significance (2). Last evaluated 2025-09-27.

Conditions:
Inborn genetic diseases. Identifiers: MedGen C0950123, MeSH D030342.

Allele frequency attached by ClinVar (database versions not stated): ExAC 0.00002; gnomAD exomes 0.00002; ESP Exome Variant Server 0.00008.
gnomAD v4.1: 26 of 1,614,022 alleles (0.0016%); highest among the groups gnomAD compares: African/African-American, 0.004%; no homozygotes.

Submissions (2):

Ambry Genetics
Classification: Uncertain significance for Inborn genetic diseases. Last evaluated: 2025-09-27. Review status: criteria provided, single submitter. Criteria: Ambry Variant Classification Scheme 2023. Collection method: clinical testing. Allele origin: germline.

Labcorp Genetics (formerly Invitae), Labcorp
Classification: Uncertain significance. Last evaluated: 2023-09-27. Review status: criteria provided, single submitter. Criteria: Invitae Variant Classification Sherloc (09022015). Collection method: clinical testing. Allele origin: germline.
Comment: ClinVar contains an entry for this variant (Variation ID: 2296648). In summary, the available evidence is currently insufficient to determine the role of this variant in disease. Therefore, it has been classified as a Variant of Uncertain Significance. Advanced modeling of protein sequence and biophysical properties (such as structural, functional, and spatial information, amino acid conservation, physicochemical variation, residue mobility, and thermodynamic stability) has been performed at Invitae for this missense variant, however the output from this modeling did not meet the statistical confidence thresholds required to predict the impact of this variant on LBR protein function. This variant has not been reported in the literature in individuals affected with LBR-related conditions. This variant is present in population databases (rs141837466, gnomAD 0.006%). This sequence change replaces arginine, which is basic and polar, with cysteine, which is neutral and slightly polar, at codon 347 of the LBR protein (p.Arg347Cys).